The following is an entry in ClinVar:

ClinVar aggregate classification (germline): Uncertain significance (1 of 4 stars; one submission).

Allele frequency attached by ClinVar (database versions not stated): gnomAD exomes below 0.00001 and 0.00001; ExAC 0.00001; gnomAD 0.00001; TOPMed 0.00001.
gnomAD v4.1: 4 of 1,613,462 alleles (0.00025%); highest among the groups gnomAD compares: Non-Finnish European, 0.00034%; no homozygotes.

Submission:

Labcorp Genetics (formerly Invitae), Labcorp
Classification: Uncertain significance. Last evaluated: 2021-09-17. Review status: criteria provided, single submitter. Criteria: Invitae Variant Classification Sherloc (09022015). Collection method: clinical testing. Allele origin: germline.
Comment: This sequence change replaces valine with aspartic acid at codon 1978 of the VPS13A protein (p.Val1978Asp). The valine residue is moderately conserved and there is a large physicochemical difference between valine and aspartic acid. This variant is present in population databases (rs778434080, ExAC 0.002%). This variant has not been reported in the literature in individuals with VPS13A-related conditions. Algorithms developed to predict the effect of missense changes on protein structure and function are either unavailable or do not agree on the potential impact of this missense change (SIFT: "Deleterious"; PolyPhen-2: "Probably Damaging"; Align-GVGD: "Class C0"). In summary, the available evidence is currently insufficient to determine the role of this variant in disease. Therefore, it has been classified as a Variant of Uncertain Significance.

NM_033305.3(VPS13A):c.5933T>A (p.Val1978Asp)

Gene: VPS13A (vacuolar protein sorting 13 homolog A; plus strand). Cytogenetic location: 9q21.2.
Variant type: single nucleotide variant.
Coding change: c.5933T>A on transcript NM_033305.3 (MANE Select); coding-DNA position 5933, T replaced by A.
Protein change: p.Val1978Asp; replaces valine 1978 with aspartic acid.
Molecular consequence: missense variant.
Genome position (GRCh38, 1-based): chr9:77,323,169, T>A. VCF-style: chr9-77323169-T-A. GRCh37 (hg19) VCF-style: chr9-79938085-T-A.
Other names: c.5816T>A, p.Val1939Asp (NM_001018037.2); c.5933T>A, p.Val1978Asp (NM_001018038.3, NM_015186.4); short protein forms V1978D, V1939D.
Identifiers: ClinVar variation 1413286 (VCV001413286.5), dbSNP rs778434080, ClinGen allele CA5092891.